The following is an entry in ClinVar:

ClinVar aggregate classification (germline): Uncertain significance (1 of 4 stars; one submission).

Conditions:
SEMA3D-related disorder. Also called: SEMA3D-related condition.

gnomAD v4.1: 27 of 1,610,988 alleles (0.0017%); highest among the groups gnomAD compares: Non-Finnish European, 0.0023%; no homozygotes.

Submission:

PreventionGenetics, part of Exact Sciences
Classification: Uncertain significance for SEMA3D-related condition. Last evaluated: 2025-10-24. Review status: criteria provided, single submitter. Criteria: ACMG Guidelines, 2015. Collection method: clinical testing. Allele origin: germline.
Comment: The SEMA3D c.1059A>C variant is predicted to result in the amino acid substitution p.Lys353Asn. To our knowledge, this variant has not been reported in the literature. This variant is reported in 0.0062% of alleles in individuals of European (Non-Finnish) descent in gnomAD. At this time, the clinical significance of this variant is uncertain due to the absence of conclusive functional and genetic evidence.

NM_001384900.1(SEMA3D):c.1059A>C (p.Lys353Asn)

Gene: SEMA3D (semaphorin 3D; minus strand). Cytogenetic location: 7q21.11.
Variant type: single nucleotide variant.
Coding change: c.1059A>C on transcript NM_001384900.1 (MANE Select); coding-DNA position 1059, A replaced by C.
Protein change: p.Lys353Asn; replaces lysine 353 with asparagine.
Molecular consequence: missense variant.
Genome position (GRCh38, 1-based): chr7:85,037,021, T>G on the plus strand (A>C on the coding strand, the complement: SEMA3D is on the minus strand). VCF-style: chr7-85037021-T-G. GRCh37 (hg19) VCF-style: chr7-84666337-T-G.
Other names: c.1059A>C, p.Lys353Asn (NM_001384901.1, NM_001384902.1, NM_001384903.1 and 1 more transcripts); short protein forms K353N.
Identifiers: ClinVar variation 4984545 (VCV004984545.1).